The following is an entry in ClinVar:

ClinVar aggregate classification (germline): Likely benign. Review status: criteria provided, multiple submitters, no conflicts (2 of 4 stars). 2 submissions from 2 submitters: Likely benign (2). Last evaluated 2018-01-13.

Conditions:
Lethal polymalformative syndrome, Boissel type. Also called: GROWTH RETARDATION, DEVELOPMENTAL DELAY, AND FACIAL DYSMORPHISM. Identifiers: Orphanet 210144, MedGen C2752001, MONDO:0013050, OMIM 612938.

Allele frequency attached by ClinVar (database versions not stated): 1000 Genomes Project 0.00419; 1000 Genomes Project 30x 0.00437; gnomAD 0.00926 and 0.00952; TOPMed 0.00934.

Submissions (2):

Illumina Laboratory Services, Illumina
Classification: Likely benign for Lethal polymalformative syndrome, Boissel type. Last evaluated: 2018-01-13. Review status: criteria provided, single submitter. Criteria: ICSL Variant Classification Criteria 13 December 2019. Collection method: clinical testing. Allele origin: germline.
Comment: This variant was observed in the ICSL laboratory as part of a predisposition screen in an ostensibly healthy population. It had not been previously curated by ICSL or reported in the Human Gene Mutation Database (HGMD: prior to June 1st, 2018), and was therefore a candidate for classification through an automated scoring system. Utilizing variant allele frequency, disease prevalence and penetrance estimates, and inheritance mode, an automated score was calculated to assess if this variant is too frequent to cause the disease. Based on the score and internal cut-off values, a variant classified as likely benign is not then subjected to further curation. The score for this variant resulted in a classification of likely benign for this disease.

Breakthrough Genomics
Classification: Likely benign. Review status: criteria provided, single submitter. Criteria: ACMG Guidelines, 2015. Collection method: not provided. Allele origin: germline. Inheritance: Autosomal recessive inheritance. Affected: yes.

NM_001080432.3(FTO):c.*888G>A

Gene: FTO (FTO alpha-ketoglutarate dependent dioxygenase; plus strand). Cytogenetic location: 16q12.2.
Variant type: single nucleotide variant.
Coding change: c.*888G>A on transcript NM_001080432.3 (MANE Select); 888 bases downstream of the stop codon, G replaced by A.
Molecular consequence: 3 prime UTR variant.
Genome position (GRCh38, 1-based): chr16:54,112,803, G>A. VCF-style: chr16-54112803-G-A. GRCh37 (hg19) VCF-style: chr16-54146715-G-A.
Other names: c.*888G>A (NM_001363891.2, NM_001363894.2, NM_001363896.2 and 6 more transcripts); c.*1006G>A (NM_001363903.2); c.*1064G>A (NM_001363988.2).
Identifiers: ClinVar variation 884993 (VCV000884993.5), dbSNP rs184637142, ClinGen allele CA15873033.